The following is an entry in ClinVar:

ClinVar aggregate classification (germline): Pathogenic. Review status: criteria provided, multiple submitters, no conflicts (2 of 4 stars). 3 submissions from 3 submitters: Pathogenic (3). Last evaluated 2025-10-24.

Conditions:
COL2A1-related disorder. Also called: COL2A1-related condition; COL2A1-related disorders.

Submissions (3):

Labcorp Genetics (formerly Invitae), Labcorp
Classification: Pathogenic. Last evaluated: 2025-10-24. Review status: criteria provided, single submitter. Criteria: Invitae Variant Classification Sherloc (09022015). Collection method: clinical testing. Allele origin: germline.
Comment: This sequence change creates a premature translational stop signal (p.Gly741Trpfs*29) in the COL2A1 gene. It is expected to result in an absent or disrupted protein product. Loss-of-function variants in COL2A1 are known to be pathogenic (PMID: 20179744). This variant is not present in population databases (gnomAD no frequency). This premature translational stop signal has been observed in individual(s) with clinical features of Stickler syndrome (PMID: 12511349). It has also been observed to segregate with disease in related individuals. This variant is also known as c.2012^2013insC. ClinVar contains an entry for this variant (Variation ID: 597893). For these reasons, this variant has been classified as Pathogenic.

Blueprint Genetics
Classification: Pathogenic for COL2A1-related disorders. Last evaluated: 2022-02-07. Review status: criteria provided, single submitter. Criteria: ACMG Guidelines, 2015. Collection method: clinical testing. Allele origin: germline. Affected: yes. Observed: 2 variant alleles.

Eurofins Ntd Llc (ga)
Classification: Pathogenic. Last evaluated: 2018-07-12. Review status: criteria provided, single submitter. Criteria: EGL ClinVar v180209 classification definitions. Collection method: clinical testing. Allele origin: germline. Observed: 1 variant allele, 1 heterozygote.

Literature cited by the submitters: PubMed 20179744 (cited by Labcorp Genetics (formerly Invitae), Labcorp); PubMed 12511349 (cited by Labcorp Genetics (formerly Invitae), Labcorp).

NM_001844.5(COL2A1):c.2219dup (p.Gly741fs)

Gene: COL2A1 (collagen type II alpha 1 chain; minus strand). Cytogenetic location: 12q13.11.
Variant type: Duplication.
Coding change: c.2219dup on transcript NM_001844.5 (MANE Select); coding-DNA position 2219, one base duplicated (C; older notation c.2219dupC).
Protein change: p.Gly741fs; shifts the reading frame from glycine 741.
Molecular consequence: frameshift variant.
Genome position (GRCh38, 1-based): chr12:47,982,584, G duplicated on the plus strand (C on the coding strand, the reverse complement: COL2A1 is on the minus strand); the first of 6 consecutive G bases (chr12:47,982,584-47,982,589); duplicating any one gives the same sequence. VCF-style (leftmost placement, unchanged base first): chr12-47982583-A-AG. GRCh37 (hg19) VCF-style: chr12-48376366-A-AG.
Other names: c.2012dup, p.Gly672fs (NM_033150.3); short protein forms G672fs, G741fs.
Identifiers: ClinVar variation 597893 (VCV000597893.15), dbSNP rs1565677720, ClinGen allele CA913190811.